The following is an entry in ClinVar:

NM_001369268.1(ACAN):c.346G>C (p.Ala116Pro)

Gene: ACAN (aggrecan; plus strand). Cytogenetic location: 15q26.1.
Variant type: single nucleotide variant.
Coding change: c.346G>C on transcript NM_001369268.1 (MANE Select); coding-DNA position 346, G replaced by C.
Protein change: p.Ala116Pro; replaces alanine 116 with proline.
Molecular consequence: missense variant.
Genome position (GRCh38, 1-based): chr15:88,838,938, G>C. VCF-style: chr15-88838938-G-C. GRCh37 (hg19) VCF-style: chr15-89382169-G-C.
Other names: c.346G>C, p.Ala116Pro (NM_001135.4, NM_013227.4); short protein forms A116P.
Identifiers: ClinVar variation 1703305 (VCV001703305.3), dbSNP rs760009352, ClinGen allele CA393716235.

ClinVar aggregate classification (germline): Uncertain significance (1 of 4 stars; one submission).

gnomAD v4.1: 1 of 1,613,904 alleles (0.000062%); highest among the groups gnomAD compares: Non-Finnish European, 0.000085%; no homozygotes.

Submission:

GeneDx
Classification: Uncertain significance. Last evaluated: 2025-10-29. Review status: criteria provided, single submitter. Criteria: GeneDx Variant Classification Process June 2021. Collection method: clinical testing. Allele origin: germline.
Comment: Not observed at significant frequency in large population cohorts (gnomAD); In silico analysis supports that this missense variant has a deleterious effect on protein structure/function; Has not been previously published as pathogenic or benign to our knowledge